The following is an entry in ClinVar:

NM_000138.5(FBN1):c.2855-4A>G

Gene: FBN1 (fibrillin 1; minus strand). Cytogenetic location: 15q21.1.
Variant type: single nucleotide variant.
Coding change: c.2855-4A>G on transcript NM_000138.5 (MANE Select); 4 bases into the intron before coding-DNA position 2855, A replaced by G.
Molecular consequence: intron variant.
Genome position (GRCh38, 1-based): chr15:48,490,082, T>C on the plus strand (A>G on the coding strand, the complement: FBN1 is on the minus strand). VCF-style: chr15-48490082-T-C. GRCh37 (hg19) VCF-style: chr15-48782279-T-C.
Identifiers: ClinVar variation 923640 (VCV000923640.17), dbSNP rs769851513, ClinGen allele CA049106.
Genomic context (GRCh38, chr15:48,490,082, plus strand): 5'-TAGGCAGGGTGCACTCCTCGTCCTCGTACCTCAGGAAGCAGGTTTCCAGGCGGATATCTG[T>C]CAGAGGGAATCAAGGGAGGTTAAATAGAGCCACACGGCTTCCACTGCCCCAAACTGCCAA-3'

ClinVar aggregate classification (germline): Likely benign. Review status: criteria provided, multiple submitters, no conflicts (2 of 4 stars). 3 submissions from 3 submitters: Likely benign (3). Last evaluated 2026-01-28.

Conditions:
Familial thoracic aortic aneurysm and aortic dissection (TAAD). Also called: Thoracic aortic aneurysms and dissections. Identifiers: Orphanet 91387, MedGen C4707243, MONDO:0019625.
Marfan syndrome (MFS). Also called: Marfan syndrome type 1; Marfan's syndrome; FBN1-Related Marfan Syndrome; MARFAN SYNDROME, TYPE I; Marfan syndrome, classic. Identifiers: Orphanet 284963, Orphanet 558, MedGen C0024796, MONDO:0007947, OMIM 154700.

Allele frequency attached by ClinVar (database versions not stated): gnomAD 0.00001; gnomAD exomes 0.00001 and 0.00002; ExAC 0.00002; TOPMed 0.00002.

Submissions (3):

Labcorp Genetics (formerly Invitae), Labcorp
Classification: Likely benign for Marfan syndrome; Familial thoracic aortic aneurysm and aortic dissection. Last evaluated: 2026-01-28. Review status: criteria provided, single submitter. Criteria: Invitae Variant Classification Sherloc (09022015). Collection method: clinical testing. Allele origin: germline.

CeGaT Center for Human Genetics Tuebingen
Classification: Likely benign. Last evaluated: 2025-03-01. Review status: criteria provided, single submitter. Criteria: CeGaT Center For Human Genetics Tuebingen Variant Classification Criteria Version 2. Collection method: clinical testing. Allele origin: germline. Affected: yes. Observed: 1 variant allele.
Comment: FBN1: BP4

Color Diagnostics, LLC DBA Color Health
Classification: Likely benign for Familial thoracic aortic aneurysm and aortic dissection. Last evaluated: 2019-06-01. Review status: criteria provided, single submitter. Criteria: ACMG Guidelines, 2015. Collection method: clinical testing. Allele origin: germline.